The following is an entry in ClinVar:

NM_024675.4(PALB2):c.1735G>T (p.Ala579Ser)

Gene: PALB2 (partner and localizer of BRCA2; minus strand). Cytogenetic location: 16p12.2.
Variant type: single nucleotide variant.
Coding change: c.1735G>T on transcript NM_024675.4 (MANE Select); coding-DNA position 1735, G replaced by T.
Protein change: p.Ala579Ser; replaces alanine 579 with serine.
Molecular consequence: missense variant.
Genome position (GRCh38, 1-based): chr16:23,630,419, C>A on the plus strand (G>T on the coding strand, the complement: PALB2 is on the minus strand). VCF-style: chr16-23630419-C-A. GRCh37 (hg19) VCF-style: chr16-23641740-C-A.
Other names: c.1675G>T, p.Ala559Ser (NM_001407296.1); c.1735G>T, p.Ala579Ser (NM_001407297.1, NM_001407298.1, NM_001407299.1 and 3 more transcripts); c.850G>T, p.Ala284Ser (NM_001407304.1, NM_001407305.1, NM_001407306.1 and 5 more transcripts); c.-54G>T (NM_001407312.1, NM_001407313.1); short protein forms A559S, A579S, A284S.
Identifiers: ClinVar variation 1779065 (VCV001779065.2), dbSNP rs1567218910, ClinGen allele CA395128317.
Genomic context (GRCh38, chr16:23,630,419, plus strand): 5'-TCAGCATTCCATCCCTATGAAATGGAGCCGTGAAAGCATCATCATCCAAGGATAAATAAG[C>A]ACTATTACTCCAAGAAAGGGAATCCTCTTTTTGATGACGACTTTTCTTCCCTAAAGAAGA-3'
Protein context (NP_078951.2, residues 569-589): KEDSLSWSNS[Ala579Ser]YLSLDDDAFT

ClinVar aggregate classification (germline): Uncertain significance (1 of 4 stars; one submission).

Conditions:
Hereditary cancer-predisposing syndrome. Also called: Neoplastic Syndromes, Hereditary; Tumor predisposition; Hereditary Cancer Syndrome; Hereditary neoplastic syndrome. Identifiers: Orphanet 140162, MedGen C0027672, MeSH D009386, MONDO:0015356.

Submission:

Ambry Genetics
Classification: Uncertain significance for Hereditary cancer-predisposing syndrome. Last evaluated: 2021-05-25. Review status: criteria provided, single submitter. Criteria: Ambry Variant Classification Scheme 2023. Collection method: clinical testing. Allele origin: germline.
Comment: The p.A579S variant (also known as c.1735G>T), located in coding exon 5 of the PALB2 gene, results from a G to T substitution at nucleotide position 1735. The alanine at codon 579 is replaced by serine, an amino acid with similar properties. This variant was reported in 0/60,466 breast cancer cases and in 1/53,461 controls (Dorling et al. N Engl J Med. 2021 02;384:428-439). This amino acid position is not well conserved in available vertebrate species. In addition, this alteration is predicted to be tolerated by in silico analysis. Since supporting evidence is limited at this time, the clinical significance of this alteration remains unclear.

Literature cited by the submitters: PubMed 33471991.